The following is an entry in ClinVar:

NM_020297.4(ABCC9):c.3739T>C (p.Leu1247=)

Genes: KCNJ8-AS1 (KCNJ8 antisense RNA 1; plus strand), ABCC9 (ATP binding cassette subfamily C member 9; minus strand). Cytogenetic location: 12p12.1.
Variant type: single nucleotide variant.
Coding change: c.3739T>C on transcript NM_020297.4 (MANE Select); coding-DNA position 3739, T replaced by C.
Protein change: p.Leu1247=; no amino-acid change (leucine 1247 retained).
Molecular consequence: synonymous variant.
Genome position (GRCh38, 1-based): chr12:21,818,182, A>G on the plus strand (T>C on the coding strand, the complement: ABCC9 is on the minus strand). VCF-style: chr12-21818182-A-G. GRCh37 (hg19) VCF-style: chr12-21971116-A-G.
Other names: c.3739T>C, p.Leu1247= (NM_001377273.1, NM_005691.4); c.2872T>C, p.Leu958= (NM_001377274.1).
Identifiers: ClinVar variation 385793 (VCV000385793.8), dbSNP rs1057522334, ClinGen allele CA16606491.
Genomic context (GRCh38, chr12:21,818,182, plus strand): 5'-TTCCTGTAATATTTTTATCCATACCTACCGTAAGTGCATACAGAAGACCCAAGCCTACCA[A>G]TCCAGAATTCGAAGACCCACTAATGGATGCTATAGATGCAGTGAGGACAATGCAAGCTCC-3'
Protein context (NP_064693.2, residues 1237-1257): ASISGSSNSG[Leu1247=]VGLGLLYALT

ClinVar aggregate classification (germline): Likely benign. Review status: criteria provided, multiple submitters, no conflicts (2 of 4 stars). 2 submissions from 2 submitters: Likely benign (2). Last evaluated 2025-01-07.

Conditions:
Dilated cardiomyopathy 1O (CMD1O). Also called: CARDIOMYOPATHY, DILATED, WITH VENTRICULAR TACHYCARDIA. Identifiers: Orphanet 154, MedGen C1837839, MONDO:0012062, OMIM 608569.

Allele frequency attached by ClinVar (database versions not stated): gnomAD 0.00001; gnomAD exomes 0.00001.

Submissions (2):

Labcorp Genetics (formerly Invitae), Labcorp
Classification: Likely benign for Dilated cardiomyopathy 1O. Last evaluated: 2025-01-07. Review status: criteria provided, single submitter. Criteria: Invitae Variant Classification Sherloc (09022015). Collection method: clinical testing. Allele origin: germline.

GeneDx
Classification: Likely benign. Last evaluated: 2016-04-28. Review status: criteria provided, single submitter. Criteria: GeneDx Variant Classification (06012015). Collection method: clinical testing. Allele origin: germline. Affected: yes.
Comment: This variant is considered likely benign or benign based on one or more of the following criteria: it is a conservative change, it occurs at a poorly conserved position in the protein, it is predicted to be benign by multiple in silico algorithms, and/or has population frequency not consistent with disease.